The following is an entry in ClinVar:

NM_000038.6(APC):c.5816A>T (p.Asp1939Val)

Gene: APC (APC regulator of Wnt signaling pathway; plus strand). Cytogenetic location: 5q22.2.
Variant type: single nucleotide variant.
Coding change: c.5816A>T on transcript NM_000038.6 (MANE Select); coding-DNA position 5816, A replaced by T.
Protein change: p.Asp1939Val; replaces aspartic acid 1939 with valine.
Molecular consequence: missense variant.
Genome position (GRCh38, 1-based): chr5:112,841,410, A>T. VCF-style: chr5-112841410-A-T. GRCh37 (hg19) VCF-style: chr5-112177107-A-T.
Other names: c.5816A>T, p.Asp1939Val (NM_001127510.3, NM_001354895.2); c.5762A>T, p.Asp1921Val (NM_001127511.3); c.5870A>T, p.Asp1957Val (NM_001354896.2); c.5846A>T, p.Asp1949Val (NM_001354897.2); c.5741A>T, p.Asp1914Val (NM_001354898.2); c.5732A>T, p.Asp1911Val (NM_001354899.2); c.5693A>T, p.Asp1898Val (NM_001354900.2); c.5639A>T, p.Asp1880Val (NM_001354901.2); and 5 more; short protein forms D1921V, D1939V, D1813V, D1838V, D1957V, D1779V, D1848V, D1898V.
Identifiers: ClinVar variation 185564 (VCV000185564.31), dbSNP rs754783550, ClinGen allele CA010727.
Genomic context (GRCh38, chr5:112,841,410, plus strand): 5'-ATCGAGGTCAGCCTAAACCCATACTTCAGAAACAATCCACTTTTCCCCAGTCATCCAAAG[A>T]CATACCAGACAGAGGGGCAGCAACTGATGAAAAGTTACAGAATTTTGCTATTGAAAATAC-3'
Protein context (NP_000029.2, residues 1929-1949): KQSTFPQSSK[Asp1939Val]IPDRGAATDE

ClinVar aggregate classification (germline): Uncertain significance. Review status: criteria provided, multiple submitters, no conflicts (2 of 4 stars). 12 submissions from 12 submitters: Uncertain significance (10). 2 of the submissions do not count toward it. Last evaluated 2026-03-11.

Conditions:
Classic or attenuated familial adenomatous polyposis. Identifiers: MedGen CN372698, MONDO:0021057.
APC-related disorder. Also called: APC-related condition.
Hereditary cancer-predisposing syndrome. Also called: Neoplastic Syndromes, Hereditary; Hereditary neoplastic syndrome; Tumor predisposition; Hereditary Cancer Syndrome. Identifiers: Orphanet 140162, MedGen C0027672, MeSH D009386, MONDO:0015356.
Familial adenomatous polyposis 1 (FAP1). Also called: POLYPOSIS, ADENOMATOUS INTESTINAL; FAMILIAL ADENOMATOUS POLYPOSIS 1, ATTENUATED. Identifiers: MedGen C2713442, MONDO:0021056, OMIM 175100. Disease mechanism: loss of function.

Allele frequency attached by ClinVar (database versions not stated): gnomAD 0.00001; gnomAD exomes below 0.00001; ExAC 0.00001; TOPMed 0.00002.
gnomAD v4.1: 7 of 1,613,876 alleles (0.00043%); highest among the groups gnomAD compares: Admixed American, 0.005%; no homozygotes.

Submissions (12):

Dasa
Classification: Uncertain significance. Last evaluated: 2026-03-11. Review status: criteria provided, single submitter. Criteria: DASA Assertion Criteria. Collection method: clinical testing. Allele origin: germline.
Comment: NM_000038.6(APC):c.5816A>T (p.Asp1939Val) is a missense variant that results in the substitution of aspartic acid with valine. This variant is rare in population databases. The currently available literature and clinical evidence are not sufficient to establish a definitive association between this variant and the reported condition. Therefore, this variant is classified as a variant of uncertain significance.

Ambry Genetics
Classification: Uncertain significance for Hereditary cancer-predisposing syndrome. Last evaluated: 2025-10-03. Review status: criteria provided, single submitter. Criteria: Ambry Variant Classification Scheme 2023. Collection method: clinical testing. Allele origin: germline.
Comment: The p.D1939V variant (also known as c.5816A>T), located in coding exon 15 of the APC gene, results from an A to T substitution at nucleotide position 5816. The aspartic acid at codon 1939 is replaced by valine, an amino acid with highly dissimilar properties. This amino acid position is well conserved in available vertebrate species. In addition, in silico predictors for this gene do not accurately predict pathogenicity. Missense variants in APC are not a common cause of disease (Spier I et al. Genet Med. 2024 Feb;26(2):100992). Based on the available evidence, the clinical significance of this variant remains unclear.

Quest Diagnostics Nichols Institute San Juan Capistrano
Classification: Uncertain significance. Last evaluated: 2025-05-12. Review status: criteria provided, single submitter. Criteria: Quest Diagnostics criteria. Collection method: clinical testing. Allele origin: unknown.
Comment: The APC c.5816A>T (p.Asp1939Val) variant has been reported in the published literature in individuals with breast and/or ovarian cancer (PMID: 35264596 (2022), 35534704 (2022), 38874686 (2024)). The frequency of this variant in the general population (Genome Aggregation Database) is uninformative in the assessment of its pathogenicity. Analysis of this variant using bioinformatics tools for the prediction of the effect of amino acid changes on protein structure and function yielded predictions that this variant is damaging. Based on the available information, we are unable to determine the clinical significance of this variant.

Color Diagnostics, LLC DBA Color Health
Classification: Uncertain significance for Hereditary cancer-predisposing syndrome. Last evaluated: 2024-03-06. Review status: criteria provided, single submitter. Criteria: ACMG Guidelines, 2015. Collection method: clinical testing. Allele origin: germline.
Comment: This missense variant replaces aspartic acid with valine at codon 1939 of the APC protein. Computational prediction suggests that this variant may not impact protein structure and function (internally defined REVEL score threshold <= 0.5, PMID: 27666373). To our knowledge, functional studies have not been reported for this variant. This variant has not been reported in individuals affected with APC-related disorders in the literature. This variant has been identified in 1/250146 chromosomes in the general population by the Genome Aggregation Database (gnomAD). The available evidence is insufficient to determine the role of this variant in disease conclusively. Therefore, this variant is classified as a Variant of Uncertain Significance.

All of Us Research Program, National Institutes of Health
Classification: Uncertain significance for Classic or attenuated familial adenomatous polyposis. Last evaluated: 2023-12-13. Review status: criteria provided, single submitter. Criteria: ACMG Guidelines, 2015. Collection method: clinical testing. Allele origin: germline. Inheritance: Autosomal dominant inheritance. Observed: 6 variant alleles, 6 heterozygotes.
Comment: This missense variant replaces aspartic acid with valine at codon 1939 of the APC protein. Computational prediction suggests that this variant may not impact protein structure and function (internally defined REVEL score threshold <= 0.5, PMID: 27666373). To our knowledge, functional studies have not been reported for this variant. This variant has not been reported in individuals affected with APC-related disorders in the literature. This variant has been identified in 1/250146 chromosomes in the general population by the Genome Aggregation Database (gnomAD). The available evidence is insufficient to determine the role of this variant in disease conclusively. Therefore, this variant is classified as a Variant of Uncertain Significance.

This study involves interpretation of variants in research participants for the purpose of population health screening. Participant phenotype was not available at the time of variant classification. Additional details can be found in publication PMID: 35346344, PMCID: PMC8962531

Labcorp Genetics (formerly Invitae), Labcorp
Classification: Uncertain significance for Familial adenomatous polyposis 1. Last evaluated: 2023-11-29. Review status: criteria provided, single submitter. Criteria: Invitae Variant Classification Sherloc (09022015). Collection method: clinical testing. Allele origin: germline.
Comment: This sequence change replaces aspartic acid, which is acidic and polar, with valine, which is neutral and non-polar, at codon 1939 of the APC protein (p.Asp1939Val). This variant is present in population databases (rs754783550, gnomAD 0.003%). This variant has not been reported in the literature in individuals affected with APC-related conditions. ClinVar contains an entry for this variant (Variation ID: 185564). Advanced modeling of protein sequence and biophysical properties (such as structural, functional, and spatial information, amino acid conservation, physicochemical variation, residue mobility, and thermodynamic stability) performed at Invitae indicates that this missense variant is not expected to disrupt APC protein function with a negative predictive value of 95%. In summary, the available evidence is currently insufficient to determine the role of this variant in disease. Therefore, it has been classified as a Variant of Uncertain Significance.

Baylor Genetics
Classification: Uncertain significance for Familial adenomatous polyposis 1. Last evaluated: 2023-10-30. Review status: criteria provided, single submitter. Criteria: ACMG Guidelines, 2015. Collection method: clinical testing. Allele origin: unknown.

Myriad Genetics, Inc.
Classification: Uncertain significance for Familial adenomatous polyposis 1. Last evaluated: 2023-02-16. Review status: criteria provided, single submitter. Criteria: Myriad Autosomal Dominant, Autosomal Recessive and X-Linked Classification Criteria (2023). Collection method: clinical testing. Allele origin: unknown.
Comment: This variant is classified as a variant of uncertain significance as there is insufficient evidence to determine its impact on protein function and/or cancer risk.

GeneDx
Classification: Uncertain significance. Last evaluated: 2019-09-27. Review status: criteria provided, single submitter. Criteria: GeneDx Variant Classification Process June 2021. Collection method: clinical testing. Allele origin: germline. Affected: yes.
Comment: Not observed at a significant frequency in large population cohorts (Lek 2016); In silico analysis, which includes protein predictors and evolutionary conservation, supports that this variant does not alter protein structure/function; Has not been previously published as pathogenic or benign to our knowledge

Mendelics
Classification: Uncertain significance for Familial adenomatous polyposis 1. Last evaluated: 2018-07-02. Review status: criteria provided, single submitter. Criteria: Mendelics Assertion Criteria 2017. Collection method: clinical testing. Allele origin: unknown.

PreventionGenetics, part of Exact Sciences
Classification: Uncertain significance for APC-related condition. Last evaluated: 2024-05-24. Review status: no assertion criteria provided. Collection method: clinical testing. Allele origin: germline. Not counted in ClinVar's aggregate classification.
Comment: The APC c.5816A>T variant is predicted to result in the amino acid substitution p.Asp1939Val. This variant was identified as a variant of uncertain significance in individuals who underwent clinical testing for hereditary cancer risk (de Oliveira JM et al 2022. PubMed ID: 35534704). This variant is reported in 0.0029% of alleles in individuals of Latino descent in gnomAD and is reported in ClinVar as a variant of uncertain significance. At this time, the clinical significance of this variant is uncertain due to the absence of conclusive functional and genetic evidence.

Counsyl
Classification: Uncertain significance for Familial adenomatous polyposis 1. Last evaluated: 2017-08-09. Review status: no assertion criteria provided. Collection method: clinical testing. Allele origin: unknown. Not counted in ClinVar's aggregate classification.

Literature cited by the submitters: PubMed 38874686 (cited by Quest Diagnostics Nichols Institute San Juan Capistrano); PubMed 35534704 (cited by Quest Diagnostics Nichols Institute San Juan Capistrano); PubMed 35264596 (cited by Quest Diagnostics Nichols Institute San Juan Capistrano).